The following is an entry in ClinVar:

ClinVar aggregate classification (germline): Likely benign (0 of 4 stars; one submission).

Conditions:
SEMA3D-related disorder. Also called: SEMA3D-related condition.

Allele frequency attached by ClinVar (database versions not stated): gnomAD 0.00022; TOPMed 0.00029; gnomAD exomes 0.00033; ExAC 0.00037; 1000 Genomes Project 30x 0.00047; 1000 Genomes Project 0.00060; ESP Exome Variant Server 0.00085.
gnomAD v4.1: 521 of 1,614,092 alleles (0.032%); highest among the groups gnomAD compares: Middle Eastern, 0.099%; no homozygotes.

Submission:

PreventionGenetics, part of Exact Sciences
Classification: Likely benign for SEMA3D-related condition. Last evaluated: 2020-01-07. Review status: no assertion criteria provided. Collection method: clinical testing. Allele origin: germline.
Comment: This variant is classified as likely benign based on ACMG/AMP sequence variant interpretation guidelines (Richards et al. 2015 PMID: 25741868, with internal and published modifications).

NM_001384900.1(SEMA3D):c.2061A>G (p.Glu687=)

Genes: SEMA3D (semaphorin 3D; minus strand), LOC126860094 (BRD4-independent group 4 enhancer GRCh37_chr7:84628763-84629962; plus strand). Cytogenetic location: 7q21.11.
Variant type: single nucleotide variant.
Coding change: c.2061A>G on transcript NM_001384900.1 (MANE Select); coding-DNA position 2061, A replaced by G.
Protein change: p.Glu687=; no amino-acid change (glutamic acid 687 retained).
Molecular consequence: synonymous variant.
Genome position (GRCh38, 1-based): chr7:84,999,713, T>C on the plus strand (A>G on the coding strand, the complement: SEMA3D is on the minus strand). VCF-style: chr7-84999713-T-C. GRCh37 (hg19) VCF-style: chr7-84629029-T-C.
Other names: c.2061A>G, p.Glu687= (NM_001384901.1, NM_001384902.1, NM_001384903.1 and 1 more transcripts).
Identifiers: ClinVar variation 3051634 (VCV003051634.2), dbSNP rs144931347, ClinGen allele CA4323213.